The following is an entry in ClinVar:

NM_001009944.3(PKD1):c.-109C>G

Gene: PKD1 (polycystin 1, transient receptor potential channel interacting; minus strand). Cytogenetic location: 16p13.3.
Variant type: single nucleotide variant.
Coding change: c.-109C>G on transcript NM_001009944.3 (MANE Select); 109 bases upstream of the start codon, C replaced by G.
Molecular consequence: 5 prime UTR variant.
Genome position (GRCh38, 1-based): chr16:2,135,798, G>C on the plus strand (C>G on the coding strand, the complement: PKD1 is on the minus strand). VCF-style: chr16-2135798-G-C. GRCh37 (hg19) VCF-style: chr16-2185799-G-C.
Other names: c.-109C>G (NM_000296.4).
Identifiers: ClinVar variation 997208 (VCV000997208.1), dbSNP rs1034012323, ClinGen allele CA2202063005.

ClinVar aggregate classification (germline): Likely benign (0 of 4 stars; one submission).

Conditions:
Polycystic kidney disease. Also called: Polycystic kidney dysplasia; Kidney, Polycystic. Identifiers: MedGen C0022680, MeSH D007690, MONDO:0020642, HP:0000113.

Submission:

Department of Pathology and Laboratory Medicine, Sinai Health System
Classification: Likely benign for Polycystic Kidney disease. Review status: no assertion criteria provided. Collection method: clinical testing. Allele origin: unknown. Affected: yes. Observed: 2 variant alleles. Study: The Canadian Open Genetics Repository (COGR).
Comment: The PKD1, c.-109C>G variant was not identified in the literature, nor was it identified in dbSNP, the 1000 Genomes Project, the NHLBI Exome Sequencing Project, the Exome Aggregation Consortium, GeneInsight-COGR, ClinVar, Clinvitae, MutDB, ADPKD Mutation Database, PKD1-LOVD, or PKD1-LOVD 3.0. Please note, there are multiple variants entered in ADPKD Mutation Database located in 5â€šÃ„Ã´URT region, one of them c.-108C>T which classified as likely neutral variant by Athena Diagnostics. The variant occurs outside of the splicing consensus sequence and in silico or computational prediction software programs (SpliceSiteFinder, MaxEntScan, NNSPLICE, GeneSplicer, HumanSpliceFinder) do not predict a difference in splicing. In summary, based on the above information, the clinical significance of this variant cannot be determined with certainty at this time although we would lean towards a more benign role for this variant. This variant is classified as likely benign.